The following is an entry in ClinVar:

NM_001166114.2(PNPLA6):c.1005C>T (p.His335=)

Gene: PNPLA6 (patatin like domain 6, lysophospholipase; plus strand). Cytogenetic location: 19p13.2.
Variant type: single nucleotide variant.
Coding change: c.1005C>T on transcript NM_001166114.2 (MANE Select); coding-DNA position 1005, C replaced by T.
Protein change: p.His335=; no amino-acid change (histidine 335 retained).
Molecular consequence: synonymous variant.
Genome position (GRCh38, 1-based): chr19:7,541,434, C>T. VCF-style: chr19-7541434-C-T. GRCh37 (hg19) VCF-style: chr19-7606320-C-T.
Other names: p.His296=; c.1032C>T (NM_001166111.1); c.1032C>T, p.His344= (NM_001166111.2); c.888C>T, p.His296= (NM_001166112.2, NM_001166113.1, NM_006702.5).
Identifiers: ClinVar variation 1398046 (VCV001398046.10), dbSNP rs769241929, ClinGen allele CA9139635.

ClinVar aggregate classification (germline): Conflicting classifications of pathogenicity. Review status: criteria provided, conflicting classifications (1 of 4 stars). 4 submissions from 4 submitters: Uncertain significance (1); Likely benign (2). 1 of the submissions does not count toward it. Last evaluated 2025-01-22.

Conditions:
PNPLA6-related disorder. Also called: PNPLA6-related condition; PNPLA6-related disorders.
Hereditary spastic paraplegia 39 (SPG39). Also called: SPASTIC PARAPLEGIA 39, AUTOSOMAL RECESSIVE; Spastic Paraplegia Type 39 (SPG39). Identifiers: Orphanet 139480, MedGen C2677586, MONDO:0012787, OMIM 612020.

Allele frequency attached by ClinVar (database versions not stated): gnomAD exomes 0.00001; ExAC 0.00002; gnomAD 0.00002; TOPMed 0.00002.
gnomAD v4.1: 15 of 1,613,662 alleles (0.00093%); highest among the groups gnomAD compares: Non-Finnish European, 0.0011%; no homozygotes.

Submissions (4):

Mayo Clinic Laboratories, Mayo Clinic
Classification: Likely benign. Last evaluated: 2025-01-22. Review status: criteria provided, single submitter. Criteria: ACMG Guidelines, 2015. Collection method: clinical testing. Allele origin: germline. Observed: 1 variant allele.
Comment: BP4, BP7

Blueprint Genetics
Classification: Likely benign. Last evaluated: 2024-05-09. Review status: criteria provided, single submitter. Criteria: ACMG Guidelines, 2015. Collection method: clinical testing. Allele origin: germline.

Labcorp Genetics (formerly Invitae), Labcorp
Classification: Uncertain significance for Hereditary spastic paraplegia 39. Last evaluated: 2022-03-16. Review status: criteria provided, single submitter. Criteria: Invitae Variant Classification Sherloc (09022015). Collection method: clinical testing. Allele origin: germline.
Comment: Algorithms developed to predict the effect of sequence changes on RNA splicing suggest that this variant is not likely to affect RNA splicing. This variant has not been reported in the literature in individuals affected with PNPLA6-related conditions. This variant is present in population databases (rs769241929, gnomAD 0.002%). This sequence change affects codon 296 of the PNPLA6 mRNA. It is a 'silent' change, meaning that it does not change the encoded amino acid sequence of the PNPLA6 protein. It affects a nucleotide within the consensus splice site. In summary, the available evidence is currently insufficient to determine the role of this variant in disease. Therefore, it has been classified as a Variant of Uncertain Significance.

PreventionGenetics, part of Exact Sciences
Classification: Likely benign for PNPLA6-related condition. Last evaluated: 2019-02-28. Review status: no assertion criteria provided. Collection method: clinical testing. Allele origin: germline. Not counted in ClinVar's aggregate classification.
Comment: This variant is classified as likely benign based on ACMG/AMP sequence variant interpretation guidelines (Richards et al. 2015 PMID: 25741868, with internal and published modifications).